The following is an entry in ClinVar:

ClinVar aggregate classification (germline): Likely benign. Review status: criteria provided, multiple submitters, no conflicts (2 of 4 stars). 3 submissions from 3 submitters: Likely benign (3). Last evaluated 2025-05-26.

Conditions:
Frontometaphyseal dysplasia (FMD1). Identifiers: Orphanet 1826, MedGen C0265293, MONDO:0015942.
Oto-palato-digital syndrome, type II (OPD2). Also called: FACIOPALATOOSSEOUS SYNDROME; Otopalatodigital Syndrome, Type II; Otopalatodigital Syndrome Type 2 (FLNA-OPD2); OPD II SYNDROME. Identifiers: Orphanet 669, Orphanet 90652, MedGen C1844696, MONDO:0010571, OMIM 304120.
Heterotopia, periventricular, X-linked dominant (PVNH1). Also called: PERIVENTRICULAR NODULAR HETEROTOPIA 4; HETEROTOPIA, PERIVENTRICULAR, 1; PERIVENTRICULAR NODULAR HETEROTOPIA 1; X-linked periventricular heterotopia. Identifiers: Orphanet 2149, Orphanet 82004, MedGen C1848213, MONDO:0010233, OMIM 300049.
Melnick-Needles syndrome (MNS). Also called: Melnick-Needles Syndrome (FLNA-MNS); MELNICK-NEEDLES OSTEODYSPLASTY; OSTEODYSPLASTY OF MELNICK AND NEEDLES. Identifiers: Orphanet 2484, MedGen C0025237, MONDO:0010650, OMIM 309350.
FLNA-related disorder.
Familial thoracic aortic aneurysm and aortic dissection (TAAD). Also called: Thoracic aortic aneurysms and dissections. Identifiers: Orphanet 91387, MedGen C4707243, MONDO:0019625.

Allele frequency attached by ClinVar (database versions not stated): gnomAD 0.00001; gnomAD exomes 0.00001; TOPMed 0.00003.
gnomAD v4.1: 9 of 1,209,337 alleles (0.00074%); highest among the groups gnomAD compares: South Asian, 0.0018%; no homozygotes.

Submissions (3):

Labcorp Genetics (formerly Invitae), Labcorp
Classification: Likely benign for Oto-palato-digital syndrome, type II; Heterotopia, periventricular, X-linked dominant; Frontometaphyseal dysplasia; Melnick-Needles syndrome. Last evaluated: 2025-05-26. Review status: criteria provided, single submitter. Criteria: Invitae Variant Classification Sherloc (09022015). Collection method: clinical testing. Allele origin: germline.

PreventionGenetics, part of Exact Sciences
Classification: Likely benign for FLNA-related condition. Last evaluated: 2024-11-08. Review status: criteria provided, single submitter. Criteria: ACMG Guidelines, 2015. Collection method: clinical testing. Allele origin: germline.
Comment: This variant is classified as likely benign based on ACMG/AMP sequence variant interpretation guidelines (Richards et al. 2015 PMID: 25741868, with internal and published modifications).

Ambry Genetics
Classification: Likely benign for Familial thoracic aortic aneurysm and aortic dissection. Last evaluated: 2022-02-04. Review status: criteria provided, single submitter. Criteria: Ambry Variant Classification Scheme 2023. Collection method: clinical testing. Allele origin: germline.

NM_001110556.2(FLNA):c.2388C>T (p.Cys796=)

Gene: FLNA (filamin A; minus strand). Cytogenetic location: Xq28.
Variant type: single nucleotide variant.
Coding change: c.2388C>T on transcript NM_001110556.2 (MANE Select); coding-DNA position 2388, C replaced by T.
Protein change: p.Cys796=; no amino-acid change (cysteine 796 retained).
Molecular consequence: synonymous variant.
Genome position (GRCh38, 1-based): chrX:154,362,677, G>A on the plus strand (C>T on the coding strand, the complement: FLNA is on the minus strand). VCF-style: chrX-154362677-G-A. GRCh37 (hg19) VCF-style: chrX-153591045-G-A.
Other names: c.2388C>T (NM_001110556.1); c.2388C>T, p.Cys796= (NM_001456.4).
Identifiers: ClinVar variation 1106577 (VCV001106577.10), dbSNP rs931584047, ClinGen allele CA337281837.